The following is an entry in ClinVar:

NM_000540.3(RYR1):c.10687-9_10687-7del

Gene: RYR1 (ryanodine receptor 1; plus strand). Cytogenetic location: 19q13.2.
Variant type: Microsatellite.
Coding change: c.10687-9_10687-7del on transcript NM_000540.3 (MANE Select); 9 bases into the intron before coding-DNA position 10687 through 7 bases into the intron before coding-DNA position 10687, 3 bases deleted (TCC; older notation c.10687-9_10687-7delTCC).
Molecular consequence: intron variant.
Genome position (GRCh38, 1-based): chr19:38,527,638-38,527,640, TCC deleted; deleting any 3 consecutive bases within chr19:38,527,635-38,527,640 gives the same sequence; the c. name uses the placement nearest the transcript's 3' end. VCF-style (leftmost placement, unchanged base first): chr19-38527634-TTCC-T. GRCh37 (hg19) VCF-style: chr19-39018274-TTCC-T.
Other names: c.10672-9_10672-7del (NM_001042723.2).
Identifiers: ClinVar variation 2074668 (VCV002074668.5), dbSNP rs779209058, ClinGen allele CA054407.

ClinVar aggregate classification (germline): Likely benign. Review status: criteria provided, multiple submitters, no conflicts (2 of 4 stars). 2 submissions from 2 submitters: Likely benign (2). Last evaluated 2024-03-24.

Conditions:
Malignant hyperthermia, susceptibility to, 1 (MHS1). Also called: RYR1-Related Malignant Hyperthermia Susceptibility; Malignant hyperthermia suceptibility 1; Anesthesia related hyperthermia; Malignant hyperpyrexia; Fulminating hyperpyrexia; Pharmacogenic myopathy. Identifiers: Orphanet 423, MedGen C2930980, MONDO:0007783, OMIM 145600.
RYR1-related disorder. Also called: RYR1-related condition; RYR1-related disorders. Identifiers: MedGen CN239331.

Submissions (2):

All of Us Research Program, National Institutes of Health
Classification: Likely benign for Malignant hyperthermia, susceptibility to, 1. Last evaluated: 2024-03-24. Review status: criteria provided, single submitter. Criteria: ACMG Guidelines, 2015. Collection method: clinical testing. Allele origin: germline. Inheritance: Autosomal dominant inheritance. Observed: 1 variant allele, 1 heterozygote.
Comment: This study involves interpretation of variants in research participants for the purpose of population health screening. Participant phenotype was not available at the time of variant classification. Additional details can be found in publication PMID: 35346344, PMCID: PMC8962531

Labcorp Genetics (formerly Invitae), Labcorp
Classification: Likely benign for RYR1-related disorder. Last evaluated: 2023-02-28. Review status: criteria provided, single submitter. Criteria: Invitae Variant Classification Sherloc (09022015). Collection method: clinical testing. Allele origin: germline.